The following is an entry in ClinVar:

ClinVar aggregate classification (germline): Likely pathogenic (1 of 4 stars; one submission).

Conditions:
Primary ciliary dyskinesia. Also called: Ciliary dyskinesia. Identifiers: Orphanet 244, MedGen C0008780, MONDO:0016575, HP:0012265.

Submission:

Labcorp Genetics (formerly Invitae), Labcorp
Classification: Likely pathogenic for Primary ciliary dyskinesia. Last evaluated: 2019-12-19. Review status: criteria provided, single submitter. Criteria: Invitae Variant Classification Sherloc (09022015). Collection method: clinical testing. Allele origin: germline.
Comment: In summary, the currently available evidence indicates that the variant is pathogenic, but additional data are needed to prove that conclusively. Therefore, this variant has been classified as Likely Pathogenic. Donor and acceptor splice site variants typically lead to a loss of protein function (PMID: 16199547), and loss-of-function variants in CCDC39 are known to be pathogenic (PMID: 21131972, 23255504). This variant has not been reported in the literature in individuals with CCDC39-related conditions. This variant is not present in population databases (ExAC no frequency). This sequence change affects an acceptor splice site in intron 9 of the CCDC39 gene. It is expected to disrupt RNA splicing and likely results in an absent or disrupted protein product.

Literature cited by the submitters: PubMed 16199547; PubMed 21131972; PubMed 23255504.

NM_181426.2(CCDC39):c.1168-2A>C

Gene: CCDC39 (coiled-coil domain 39 molecular ruler complex subunit; minus strand). Cytogenetic location: 3q26.33.
Variant type: single nucleotide variant.
Coding change: c.1168-2A>C on transcript NM_181426.2 (MANE Select); the canonical splice acceptor site of the intron before coding-DNA position 1168, A replaced by C.
Molecular consequence: splice acceptor variant.
Genome position (GRCh38, 1-based): chr3:180,648,361, T>G on the plus strand (A>C on the coding strand, the complement: CCDC39 is on the minus strand). VCF-style: chr3-180648361-T-G. GRCh37 (hg19) VCF-style: chr3-180366149-T-G.
Identifiers: ClinVar variation 843405 (VCV000843405.8), dbSNP rs1468349011, ClinGen allele CA355311057.